The following is an entry in ClinVar:

ClinVar aggregate classification (germline): Uncertain significance. Review status: criteria provided, multiple submitters, no conflicts (2 of 4 stars). 2 submissions from 2 submitters: Uncertain significance (2). Last evaluated 2024-07-30.

Conditions:
Epilepsy, X-linked 1, with variable learning disabilities and behavior disorders. Also called: X-linked epilepsy-learning disabilities-behavior disorders syndrome. Identifiers: Orphanet 85294, MedGen C5774177, MONDO:0010339, OMIM 300491.

Allele frequency attached by ClinVar (database versions not stated): gnomAD exomes below 0.00001; TOPMed below 0.00001.
gnomAD v4.1: 1 of 1,148,512 alleles (0.000087%); no homozygotes.

Submissions (2):

Labcorp Genetics (formerly Invitae), Labcorp
Classification: Uncertain significance for Epilepsy, X-linked 1, with variable learning disabilities and behavior disorders. Last evaluated: 2024-07-30. Review status: criteria provided, single submitter. Criteria: Invitae Variant Classification Sherloc (09022015). Collection method: clinical testing. Allele origin: germline.
Comment: This sequence change replaces proline, which is neutral and non-polar, with leucine, which is neutral and non-polar, at codon 655 of the SYN1 protein (p.Pro655Leu). This variant is not present in population databases (gnomAD no frequency). This variant has not been reported in the literature in individuals affected with SYN1-related conditions. ClinVar contains an entry for this variant (Variation ID: 501096). An algorithm developed to predict the effect of missense changes on protein structure and function outputs the following: PolyPhen-2: "Not Available". The leucine amino acid residue is found in multiple mammalian species, which suggests that this missense change does not adversely affect protein function. In summary, the available evidence is currently insufficient to determine the role of this variant in disease. Therefore, it has been classified as a Variant of Uncertain Significance.

Eurofins Ntd Llc (ga)
Classification: Uncertain significance. Last evaluated: 2017-04-07. Review status: criteria provided, single submitter. Criteria: EGL Classification Definitions 2015. Collection method: clinical testing. Allele origin: germline. Observed: 1 variant allele, 1 hemizygote.

NM_006950.3(SYN1):c.1964C>T (p.Pro655Leu)

Gene: SYN1 (synapsin I; minus strand). Cytogenetic location: Xp11.3.
Variant type: single nucleotide variant.
Coding change: c.1964C>T on transcript NM_006950.3 (MANE Select); coding-DNA position 1964, C replaced by T.
Protein change: p.Pro655Leu; replaces proline 655 with leucine.
Molecular consequence: missense variant.
Genome position (GRCh38, 1-based): chrX:47,574,020, G>A on the plus strand (C>T on the coding strand, the complement: SYN1 is on the minus strand). VCF-style: chrX-47574020-G-A. GRCh37 (hg19) VCF-style: chrX-47433419-G-A.
Other names: c.1964C>T, p.Pro655Leu (NM_133499.2); short protein forms P655L.
Identifiers: ClinVar variation 501096 (VCV000501096.9), dbSNP rs1333198986, ClinGen allele CA412822027.